The following is an entry in ClinVar:

NM_004655.4(AXIN2):c.1663T>C (p.Cys555Arg)

Gene: AXIN2 (axin 2; minus strand). Cytogenetic location: 17q24.1.
Variant type: single nucleotide variant.
Coding change: c.1663T>C on transcript NM_004655.4 (MANE Select); coding-DNA position 1663, T replaced by C.
Protein change: p.Cys555Arg; replaces cysteine 555 with arginine.
Molecular consequence: missense variant.
Genome position (GRCh38, 1-based): chr17:65,537,373, A>G on the plus strand (T>C on the coding strand, the complement: AXIN2 is on the minus strand). VCF-style: chr17-65537373-A-G. GRCh37 (hg19) VCF-style: chr17-63533491-A-G.
Other names: c.1663T>C, p.Cys555Arg (NM_001363813.1); short protein forms C555R.
Identifiers: ClinVar variation 1418963 (VCV001418963.6), dbSNP rs1481627494, ClinGen allele CA400676941.
Genomic context (GRCh38, chr17:65,537,373, plus strand): 5'-CCGGCACTTACCCAAACTGCTCGCTGGGCATGGTTTCCGGAGCCTTGGAGTGGCTTTTGC[A>G]TTTCGAGTAGCAGTAATACTCGCTGCCCCCAGGGCAGAAGCAGTGCACCCGCTGCGTGGC-3'
Protein context (NP_004646.3, residues 545-565): GGSEYYCYSK[Cys555Arg]KSHSKAPETM

ClinVar aggregate classification (germline): Uncertain significance (1 of 4 stars; one submission).

Conditions:
Oligodontia-cancer predisposition syndrome. Also called: TOOTH AGENESIS-COLORECTAL CANCER SYNDROME. Identifiers: Orphanet 300576, MedGen C1837750, MONDO:0012075, OMIM 608615. Disease mechanism: loss of function.

Allele frequency attached by ClinVar (database versions not stated): gnomAD exomes below 0.00001.
gnomAD v4.1: 1 of 1,613,998 alleles (0.000062%); highest among the groups gnomAD compares: South Asian, 0.0011%; no homozygotes.

Submission:

Labcorp Genetics (formerly Invitae), Labcorp
Classification: Uncertain significance for Oligodontia-cancer predisposition syndrome. Last evaluated: 2021-11-07. Review status: criteria provided, single submitter. Criteria: Invitae Variant Classification Sherloc (09022015). Collection method: clinical testing. Allele origin: germline.
Comment: This sequence change replaces cysteine, which is neutral and slightly polar, with arginine, which is basic and polar, at codon 555 of the AXIN2 protein (p.Cys555Arg). This variant is present in population databases (no rsID available, gnomAD 0.003%). This variant has not been reported in the literature in individuals affected with AXIN2-related conditions. Algorithms developed to predict the effect of missense changes on protein structure and function (SIFT, PolyPhen-2, Align-GVGD) all suggest that this variant is likely to be tolerated. In summary, the available evidence is currently insufficient to determine the role of this variant in disease. Therefore, it has been classified as a Variant of Uncertain Significance.